The following is an entry in ClinVar:

NM_005219.5(DIAPH1):c.687T>C (p.Phe229=)

Gene: DIAPH1 (diaphanous related formin 1; minus strand). Cytogenetic location: 5q31.3.
Variant type: single nucleotide variant.
Coding change: c.687T>C on transcript NM_005219.5 (MANE Select); coding-DNA position 687, T replaced by C.
Protein change: p.Phe229=; no amino-acid change (phenylalanine 229 retained).
Molecular consequence: synonymous variant.
Genome position (GRCh38, 1-based): chr5:141,580,881, A>G on the plus strand (T>C on the coding strand, the complement: DIAPH1 is on the minus strand). VCF-style: chr5-141580881-A-G. GRCh37 (hg19) VCF-style: chr5-140960448-A-G.
Other names: c.660T>C, p.Phe220= (NM_001079812.3); c.687T>C, p.Phe229= (NM_001314007.2).
Identifiers: ClinVar variation 45216 (VCV000045216.21), dbSNP rs201149420, ClinGen allele CA135753.

ClinVar aggregate classification (germline): Conflicting classifications of pathogenicity. Review status: criteria provided, conflicting classifications (1 of 4 stars). 5 submissions from 5 submitters: Uncertain significance (1); Likely benign (4). Last evaluated 2026-02-02.

Conditions:
Autosomal dominant nonsyndromic hearing loss 1. Also called: KONIGSMARK SYNDROME; DEAFNESS, AUTOSOMAL DOMINANT 1, WITH OR WITHOUT THROMBOCYTOPENIA. Identifiers: Orphanet 90635, MedGen C1852282, MONDO:0007424, OMIM 124900.
Progressive microcephaly-seizures-cortical blindness-developmental delay syndrome. Also called: Seizures, cortical blindness, and microcephaly syndrome. Identifiers: Orphanet 477814, MedGen C5567650, MONDO:0014714, OMIM 616632.

Allele frequency attached by ClinVar (database versions not stated): ExAC 0.00024; gnomAD exomes 0.00027 and 0.00049; gnomAD 0.00034 and 0.00035; TOPMed 0.00040; ESP Exome Variant Server 0.00067.
gnomAD v4.1: 781 of 1,614,194 alleles (0.048%); highest among the groups gnomAD compares: Non-Finnish European, 0.06%; 1 homozygote.

Submissions (5):

Labcorp Genetics (formerly Invitae), Labcorp
Classification: Likely benign for Progressive microcephaly-seizures-cortical blindness-developmental delay syndrome; Autosomal dominant nonsyndromic hearing loss 1. Last evaluated: 2026-02-02. Review status: criteria provided, single submitter. Criteria: Invitae Variant Classification Sherloc (09022015). Collection method: clinical testing. Allele origin: germline.

Blueprint Genetics
Classification: Likely benign. Last evaluated: 2024-11-08. Review status: criteria provided, single submitter. Criteria: ACMG Guidelines, 2015. Collection method: clinical testing. Allele origin: germline.

GeneDx
Classification: Likely benign. Last evaluated: 2019-11-27. Review status: criteria provided, single submitter. Criteria: GeneDx Variant Classification Process June 2021. Collection method: clinical testing. Allele origin: germline. Affected: yes.

Illumina Laboratory Services, Illumina
Classification: Uncertain significance for Autosomal dominant nonsyndromic hearing loss 1. Last evaluated: 2018-01-13. Review status: criteria provided, single submitter. Criteria: ICSL Variant Classification Criteria 13 December 2019. Collection method: clinical testing. Allele origin: germline.

Laboratory for Molecular Medicine, Mass General Brigham Personalized Medicine
Classification: Likely benign. Last evaluated: 2016-10-06. Review status: criteria provided, single submitter. Criteria: LMM Criteria. Collection method: clinical testing. Allele origin: germline. Observed: 4 variant alleles.
Comment: p.Phe229Phe in exon 08 of DIAPH1: This variant is not expected to have clinical significance because it does not alter an amino acid residue and is not located within the splice consensus sequence. It has been identified in 27/66708 of Eur opean chromosomes by the Exome Aggregation Consortium (ExAC; dbSNP rs201149420).